The following is an entry in ClinVar:

NM_000421.5(KRT10):c.1506AAGCTCCGGCGGCGG[4] (p.Gly512_Tyr513insSerSerGlyGlyGlySerSerGlyGlyGly)

Gene: KRT10 (keratin 10; minus strand). Cytogenetic location: 17q21.2.
Variant type: Microsatellite.
Coding change: c.1506AAGCTCCGGCGGCGG[4] on transcript NM_000421.5 (MANE Select); four copies in a row of the 15-base unit AAGCTCCGGCGGCGG starting at c.1506; the reference has two copies in a row; two copies, 30 bases duplicated.
Protein change: p.Gly512_Tyr513insSerSerGlyGlyGlySerSerGlyGlyGly.
Molecular consequence: inframe insertion.
Genome position (GRCh38, 1-based): chr17:40,819,000-40,819,029, CCGCCGCCGGAGCTTCCGCCGCCGGAGCTT duplicated on the plus strand (AAGCTCCGGCGGCGGAAGCTCCGGCGGCGG on the coding strand, the reverse complement: KRT10 is on the minus strand); duplicating any 30 consecutive bases within chr17:40,819,000-40,819,034 gives the same sequence; the position shown is the placement nearest the transcript's 3' end. VCF-style (leftmost placement, unchanged base first): chr17-40818999-G-GCCGCCGCCGGAGCTTCCGCCGCCGGAGCTT. GRCh37 (hg19) VCF-style: chr17-38975251-G-GCCGCCGCCGGAGCTTCCGCCGCCGGAGCTT.
Other names: c.1506AAGCTCCGGCGGCGG[4], p.Gly512_Tyr513insSerSerGlyGlyGlySerSerGlyGlyGly (NM_001379366.1).
Identifiers: ClinVar variation 2714751 (VCV002714751.3), dbSNP rs570853437, ClinGen allele CA626212455.
Genomic context (GRCh38, chr17:40,818,999, plus strand): 5'-ACCACCGTAGCCGCCGCTGGAACTGCCGCCGTGGCCGCCGCTGGAGCTTCCGCCCCCGTA[G>GCCGCCGCCGGAGCTTCCGCCGCCGGAGCTT]CCGCCGCCGGAGCTTCCGCCGCCGGAGCTTCCGCCTCCGTAGCCGCCGCCGGAACTGCCG-3'

ClinVar aggregate classification (germline): Uncertain significance (1 of 4 stars; one submission).

Submission:

Labcorp Genetics (formerly Invitae), Labcorp
Classification: Uncertain significance. Last evaluated: 2022-10-29. Review status: criteria provided, single submitter. Criteria: Invitae Variant Classification Sherloc (09022015). Collection method: clinical testing. Allele origin: germline.
Comment: In summary, the available evidence is currently insufficient to determine the role of this variant in disease. Therefore, it has been classified as a Variant of Uncertain Significance. This variant has not been reported in the literature in individuals affected with KRT10-related conditions. This variant is present in population databases (no rsID available, gnomAD 0.008%). This variant, c.1506_1535dup, results in the insertion of 10 amino acid(s) of the KRT10 protein (p.Ser503_Gly512dup), but otherwise preserves the integrity of the reading frame.